The following is an entry in ClinVar:

ClinVar aggregate classification (germline): Uncertain significance (1 of 4 stars; one submission).

Allele frequency attached by ClinVar (database versions not stated): gnomAD exomes below 0.00001.
gnomAD v4.1: 1 of 1,613,812 alleles (0.000062%); highest among the groups gnomAD compares: Middle Eastern, 0.016%; no homozygotes.

Submission:

GeneDx
Classification: Uncertain significance. Last evaluated: 2023-03-06. Review status: criteria provided, single submitter. Criteria: GeneDx Variant Classification Process June 2021. Collection method: clinical testing. Allele origin: germline. Affected: yes.
Comment: Reported as maternally inherited a patient with Tetralogy of Fallot in a study of patients with congenital heart disease ascertained from the Sidra cardiac registry (PMID: 36011280); Not observed at significant frequency in large population cohorts (gnomAD); In silico analysis supports that this missense variant has a deleterious effect on protein structure/function; This variant is associated with the following publications: (PMID: 36011280)

NM_001077415.3(CRELD1):c.848G>C (p.Gly283Ala)

Gene: CRELD1 (cysteine rich with EGF like domains 1; plus strand). Cytogenetic location: 3p25.3.
Variant type: single nucleotide variant.
Coding change: c.848G>C on transcript NM_001077415.3 (MANE Select); coding-DNA position 848, G replaced by C.
Protein change: p.Gly283Ala; replaces glycine 283 with alanine.
Molecular consequence: missense variant. On other transcripts: non-coding transcript variant (3).
Genome position (GRCh38, 1-based): chr3:9,943,107, G>C. VCF-style: chr3-9943107-G-C. GRCh37 (hg19) VCF-style: chr3-9984791-G-C.
Other names: c.848G>C, p.Gly283Ala (NM_001031717.4, NM_001374316.1, NM_001374317.1 and 3 more transcripts); c.764G>C, p.Gly255Ala (NM_001374319.1, NM_001374320.1); short protein forms G255A, G283A.
Identifiers: ClinVar variation 2579575 (VCV002579575.1), dbSNP rs2470516831, ClinGen allele CA351723379.
Genomic context (GRCh38, chr3:9,943,107, plus strand): 5'-CTCACCCTCATCTTTCTCTCCTCTCTCCAGACTGTGCCAAGGCCTGCCTAGGCTGCATGG[G>C]GGCAGGGCCAGGTCGCTGTAAGAAGTGTAGCCCTGGCTATCAGCAGGTGGGCTCCAAGTG-3'
Protein context (NP_001070883.2, residues 273-293): DCAKACLGCM[Gly283Ala]AGPGRCKKCS